The following is an entry in ClinVar:

ClinVar aggregate classification (germline): Uncertain significance (1 of 4 stars; one submission).

Conditions:
Cardiovascular phenotype. Identifiers: MedGen CN230736.

Allele frequency attached by ClinVar (database versions not stated): ExAC 0.00001; gnomAD 0.00001; TOPMed 0.00002.
gnomAD v4.1: 1 of 1,610,156 alleles (0.000062%); highest among the groups gnomAD compares: African/African-American, 0.0013%; no homozygotes.

Submission:

Ambry Genetics
Classification: Uncertain significance for Cardiovascular phenotype. Last evaluated: 2023-03-03. Review status: criteria provided, single submitter. Criteria: Ambry Variant Classification Scheme 2023. Collection method: clinical testing. Allele origin: germline.
Comment: The p.I668V variant (also known as c.2002A>G), located in coding exon 12 of the NEXN gene, results from an A to G substitution at nucleotide position 2002. The isoleucine at codon 668 is replaced by valine, an amino acid with highly similar properties. This amino acid position is conserved. In addition, this alteration is predicted to be tolerated by in silico analysis. Since supporting evidence is limited at this time, the clinical significance of this alteration remains unclear.

NM_144573.4(NEXN):c.2002A>G (p.Ile668Val)

Gene: NEXN (nexilin F-actin binding protein; plus strand). Cytogenetic location: 1p31.1.
Variant type: single nucleotide variant.
Coding change: c.2002A>G on transcript NM_144573.4 (MANE Select); coding-DNA position 2002, A replaced by G.
Protein change: p.Ile668Val; replaces isoleucine 668 with valine.
Molecular consequence: missense variant.
Genome position (GRCh38, 1-based): chr1:77,942,803, A>G. VCF-style: chr1-77942803-A-G. GRCh37 (hg19) VCF-style: chr1-78408488-A-G.
Other names: c.1810A>G, p.Ile604Val (NM_001172309.2); short protein forms I604V, I668V.
Identifiers: ClinVar variation 2449174 (VCV002449174.2), dbSNP rs768404567, ClinGen allele CA919018.
Genomic context (GRCh38, chr1:77,942,803, plus strand): 5'-GATGGAGGAGAGTATATGTGTAAAGCAGTCAACAATAAAGGATCTGCAGCTAGTACCTGT[A>G]TTCTTACCATTGAAAGTAAGAATTAATCACTCTTTTTATCTTTTATTCTATTAATTTTTT-3'
Protein context (NP_653174.3, residues 658-675): NNKGSAASTC[Ile668Val]LTIESKN